The following is an entry in ClinVar:

ClinVar aggregate classification (germline): Likely pathogenic (1 of 4 stars; one submission).

gnomAD v4.1: 5 of 1,614,080 alleles (0.00031%); highest among the groups gnomAD compares: Non-Finnish European, 0.00042%; no homozygotes.

Submission:

GeneDx
Classification: Likely pathogenic. Last evaluated: 2024-11-18. Review status: criteria provided, single submitter. Criteria: GeneDx Variant Classification Process June 2021. Collection method: clinical testing. Allele origin: germline. Affected: yes.
Comment: Canonical splice site variant predicted to result in a null allele in a gene for which loss of function is a known mechanism of disease; Not observed at significant frequency in large population cohorts (gnomAD); Has not been previously published as pathogenic or benign to our knowledge

NM_001385.3(DPYS):c.794-1G>A

Gene: DPYS (dihydropyrimidinase; minus strand). Cytogenetic location: 8q22.3.
Variant type: single nucleotide variant.
Coding change: c.794-1G>A on transcript NM_001385.3 (MANE Select); the canonical splice acceptor site of the intron before coding-DNA position 794, G replaced by A.
Molecular consequence: splice acceptor variant.
Genome position (GRCh38, 1-based): chr8:104,429,702, C>T on the plus strand (G>A on the coding strand, the complement: DPYS is on the minus strand). VCF-style: chr8-104429702-C-T. GRCh37 (hg19) VCF-style: chr8-105441930-C-T.
Identifiers: ClinVar variation 3899478 (VCV003899478.1).